The following is an entry in ClinVar:

NM_001330078.2(NRXN1):c.2630T>C (p.Met877Thr)

Gene: NRXN1 (neurexin 1; minus strand). Cytogenetic location: 2p16.3.
Variant type: single nucleotide variant.
Coding change: c.2630T>C on transcript NM_001330078.2 (MANE Select); coding-DNA position 2630, T replaced by C.
Protein change: p.Met877Thr; replaces methionine 877 with threonine.
Molecular consequence: missense variant.
Genome position (GRCh38, 1-based): chr2:50,497,582, A>G on the plus strand (T>C on the coding strand, the complement: NRXN1 is on the minus strand). VCF-style: chr2-50497582-A-G. GRCh37 (hg19) VCF-style: chr2-50724720-A-G.
Other names: c.2750T>C, p.Met917Thr (NM_001135659.3); c.2606T>C, p.Met869Thr (NM_001330077.2, NM_001330082.2); c.2564T>C, p.Met855Thr (NM_001330083.2, NM_001330084.2); c.2603T>C, p.Met868Thr (NM_001330085.2); c.2630T>C, p.Met877Thr (NM_001330086.2, NM_004801.6); c.2519T>C, p.Met840Thr (NM_001330087.2, NM_001330096.2); c.2549T>C, p.Met850Thr (NM_001330088.2); c.2627T>C, p.Met876Thr (NM_001330093.2); and 2 more; short protein forms M855T, M917T, M840T, M850T, M876T, M869T, M873T, M860T.
Identifiers: ClinVar variation 1508204 (VCV001508204.8), dbSNP rs2091709165, ClinGen allele CA346777226.

ClinVar aggregate classification (germline): Uncertain significance (1 of 4 stars; one submission).

Conditions:
Pitt-Hopkins-like syndrome 2 (PTHSL2). Identifiers: Orphanet 221150, Orphanet 600663, MedGen C3280479, MONDO:0013690, OMIM 614325.

Submission:

Labcorp Genetics (formerly Invitae), Labcorp
Classification: Uncertain significance for Pitt-Hopkins-like syndrome 2. Last evaluated: 2022-03-19. Review status: criteria provided, single submitter. Criteria: Invitae Variant Classification Sherloc (09022015). Collection method: clinical testing. Allele origin: germline.
Comment: This sequence change replaces methionine, which is neutral and non-polar, with threonine, which is neutral and polar, at codon 917 of the NRXN1 protein (p.Met917Thr). This variant is not present in population databases (gnomAD no frequency). This variant has not been reported in the literature in individuals affected with NRXN1-related conditions. Algorithms developed to predict the effect of missense changes on protein structure and function (SIFT, PolyPhen-2, Align-GVGD) all suggest that this variant is likely to be tolerated. In summary, the available evidence is currently insufficient to determine the role of this variant in disease. Therefore, it has been classified as a Variant of Uncertain Significance.